The following is an entry in ClinVar:

ClinVar aggregate classification (germline): Likely pathogenic. Review status: criteria provided, single submitter (1 of 4 stars). 2 submissions from 2 submitters: Likely pathogenic (1). 1 of the submissions does not count toward it. Last evaluated 2023-10-01.

Conditions:
Retinitis pigmentosa (RP). Identifiers: Orphanet 791, MedGen C0035334, MeSH D012174, MONDO:0019200, OMIM 268000. Inheritance: Autosomal dominant, autosomal recessive and X linked inheritance.
Retinal dystrophy. Also called: Inherited retinal dystrophy. Identifiers: Orphanet 71862, MedGen C0854723, MeSH D058499, MONDO:0019118, HP:0000556.

Allele frequency attached by ClinVar (database versions not stated): gnomAD exomes below 0.00001; ExAC 0.00001; gnomAD 0.00001.
gnomAD v4.1: 6 of 1,614,202 alleles (0.00037%); highest among the groups gnomAD compares: East Asian, 0.013%; no homozygotes.

Submissions (2):

Dept Of Ophthalmology, Nagoya University
Classification: Likely pathogenic for Retinal dystrophy. Last evaluated: 2023-10-01. Review status: criteria provided, single submitter. Criteria: Submitter's publication. Collection method: research. Allele origin: germline. Affected: yes.

Department of Ophthalmology and Visual Sciences Kyoto University
Classification: Pathogenic for Retinitis pigmentosa. Review status: no assertion criteria provided. Collection method: not provided. Allele origin: unknown. Not counted in ClinVar's aggregate classification.
ClinVar note: Converted during submission from pathogenic to Pathogenic.

NM_000554.6(CRX):c.193G>C (p.Asp65His)

Gene: CRX (cone-rod homeobox; plus strand). Cytogenetic location: 19q13.33.
Variant type: single nucleotide variant.
Coding change: c.193G>C on transcript NM_000554.6 (MANE Select); coding-DNA position 193, G replaced by C.
Protein change: p.Asp65His; replaces aspartic acid 65 with histidine.
Molecular consequence: missense variant.
Genome position (GRCh38, 1-based): chr19:47,836,335, G>C. VCF-style: chr19-47836335-G-C. GRCh37 (hg19) VCF-style: chr19-48339592-G-C.
Other names: short protein forms D65H.
Identifiers: ClinVar variation 143085 (VCV000143085.3), dbSNP rs527236062, ClinGen allele CA270027.
Genomic context (GRCh38, chr19:47,836,335, plus strand): 5'-ACCTTCACCCGGAGCCAACTGGAGGAGCTGGAGGCACTGTTTGCCAAGACCCAGTACCCA[G>C]ACGTCTATGCCCGTGAGGAGGTGGCTCTGAAGATCAATCTGCCTGAGTCCAGGGTTCAGG-3'
Protein context (NP_000545.1, residues 55-75): EALFAKTQYP[Asp65His]VYAREEVALK